The following is an entry in ClinVar:

NM_003126.4(SPTA1):c.4517A>G (p.Tyr1506Cys)

Gene: SPTA1 (spectrin alpha, erythrocytic 1; minus strand). Cytogenetic location: 1q23.1.
Variant type: single nucleotide variant.
Coding change: c.4517A>G on transcript NM_003126.4 (MANE Select); coding-DNA position 4517, A replaced by G.
Protein change: p.Tyr1506Cys; replaces tyrosine 1506 with cysteine.
Molecular consequence: missense variant.
Genome position (GRCh38, 1-based): chr1:158,642,902, T>C on the plus strand (A>G on the coding strand, the complement: SPTA1 is on the minus strand). VCF-style: chr1-158642902-T-C. GRCh37 (hg19) VCF-style: chr1-158612692-T-C.
Other names: short protein forms Y1506C.
Identifiers: ClinVar variation 1908950 (VCV001908950.5), dbSNP rs1651717033, ClinGen allele CA343030903.

ClinVar aggregate classification (germline): Uncertain significance (1 of 4 stars; one submission).

Allele frequency attached by ClinVar (database versions not stated): TOPMed below 0.00001.

Submission:

Labcorp Genetics (formerly Invitae), Labcorp
Classification: Uncertain significance. Last evaluated: 2022-05-21. Review status: criteria provided, single submitter. Criteria: Invitae Variant Classification Sherloc (09022015). Collection method: clinical testing. Allele origin: germline.
Comment: This sequence change replaces tyrosine, which is neutral and polar, with cysteine, which is neutral and slightly polar, at codon 1506 of the SPTA1 protein (p.Tyr1506Cys). This variant is not present in population databases (gnomAD no frequency). This variant has not been reported in the literature in individuals affected with SPTA1-related conditions. Algorithms developed to predict the effect of missense changes on protein structure and function (SIFT, PolyPhen-2, Align-GVGD) all suggest that this variant is likely to be disruptive. In summary, the available evidence is currently insufficient to determine the role of this variant in disease. Therefore, it has been classified as a Variant of Uncertain Significance.